The following is an entry in ClinVar:

NM_003361.4(UMOD):c.889T>C (p.Cys297Arg)

Gene: UMOD (uromodulin; minus strand). Cytogenetic location: 16p12.3.
Variant type: single nucleotide variant.
Coding change: c.889T>C on transcript NM_003361.4 (MANE Select); coding-DNA position 889, T replaced by C.
Protein change: p.Cys297Arg; replaces cysteine 297 with arginine.
Molecular consequence: missense variant. On other transcripts: non-coding transcript variant (1).
Genome position (GRCh38, 1-based): chr16:20,348,307, A>G on the plus strand (T>C on the coding strand, the complement: UMOD is on the minus strand). VCF-style: chr16-20348307-A-G. GRCh37 (hg19) VCF-style: chr16-20359629-A-G.
Other names: c.889T>C, p.Cys297Arg (NM_001008389.3, NM_001378232.1, NM_001378233.1 and 3 more transcripts); c.988T>C, p.Cys330Arg (NM_001278614.2); short protein forms C297R, C330R.
Identifiers: ClinVar variation 3578735 (VCV003578735.3).

ClinVar aggregate classification (germline): Pathogenic/Likely pathogenic. Review status: criteria provided, multiple submitters, no conflicts (2 of 4 stars). 2 submissions from 2 submitters: Pathogenic (1); Likely pathogenic (1). Last evaluated 2025-03-13.

Conditions:
Familial juvenile hyperuricemic nephropathy type 1 (ADTKD1). Also called: UMOD-Associated Kidney Disease; Uromodulin-associated kidney disease; Autosomal Dominant Tubulointerstitial Kidney Disease – UMOD; Glomerulocystic kidney disease with hyperuricemia and isosthenuria; Medullary cystic kidney disease 2. Identifiers: Orphanet 209886, Orphanet 34149, Orphanet 88950, MedGen C4551496, MONDO:0008073, OMIM 162000.

Submissions (2):

Victorian Clinical Genetics Services, Murdoch Childrens Research Institute
Classification: Pathogenic for Familial juvenile hyperuricemic nephropathy type 1. Last evaluated: 2025-03-13. Review status: criteria provided, single submitter. Criteria: ACMG Guidelines, 2015. Collection method: clinical testing. Allele origin: germline. Affected: yes.
Comment: This variant is classified as Pathogenic. Evidence in support of pathogenic classification: Variant is absent from gnomAD (v2, v3 and v4); This variant has limited previous evidence of pathogenicity in an unrelated individual(s). This variant has been classified as likely pathogenic by a clinical laboratory in ClinVar; Other missense variants comparable to the one identified in this case have strong previous evidence for pathogenicity. The p.(Cys297Tyr) and p.(Cys297Trp) variants have been identified in individuals with chronic kidney disease and familial juvenile hyperuricemic nephropathy (PMIDs: 20151160, 21868615, 32450155, VCGS internal database). In addition, the p.(Cys297Tyr) variant has been classified as pathogenic by a clinical laboratory in ClinVar; Variant is located in a hotspot region or cluster of pathogenic variants. The majority of reported missense variants cluster in exons 3 and 4 (PMID: 30099615); Missense variant predicted to be damaging by in silico tool(s) or highly conserved with a major amino acid change. Additional information: Variant is predicted to result in a missense amino acid change from cysteine to arginine; This variant is heterozygous; This gene is associated with autosomal dominant disease; No published segregation evidence has been identified for this variant; No published functional evidence has been identified for this variant; Dominant negative is a known mechanism of disease in this gene and is associated with tubulointerstitial kidney disease 1 (MIM#162000) (PMID: 22117067); Variants in this gene are known to have variable expressivity. Intrafamilial variability has been described (PMID: 21868615); Inheritance information for this variant is not currently available in this individual.

Fulgent Genetics
Classification: Likely pathogenic for Familial juvenile hyperuricemic nephropathy type 1. Last evaluated: 2024-02-06. Review status: criteria provided, single submitter. Criteria: ACMG Guidelines, 2015. Collection method: clinical testing. Allele origin: germline.

Literature cited by the submitters: PubMed 21868615 (cited by Victorian Clinical Genetics Services, Murdoch Childrens Research Institute); PubMed 32450155 (cited by Victorian Clinical Genetics Services, Murdoch Childrens Research Institute); PubMed 30099615 (cited by Victorian Clinical Genetics Services, Murdoch Childrens Research Institute); PubMed 22117067 (cited by Victorian Clinical Genetics Services, Murdoch Childrens Research Institute); PubMed 20151160 (cited by Victorian Clinical Genetics Services, Murdoch Childrens Research Institute).